The following is an entry in ClinVar:

ClinVar aggregate classification (germline): Uncertain significance (1 of 4 stars; one submission).

Conditions:
Hajdu-Cheney syndrome (HJCYS). Also called: ACROOSTEOLYSIS WITH OSTEOPOROSIS AND CHANGES IN SKULL AND MANDIBLE; Acroosteolysis dominant type; SERPENTINE FIBULA-POLYCYSTIC KIDNEY SYNDROME. Identifiers: Orphanet 955, MedGen C0917715, MONDO:0007057, OMIM 102500.

Submission:

Labcorp Genetics (formerly Invitae), Labcorp
Classification: Uncertain significance for Hajdu-Cheney syndrome. Last evaluated: 2025-11-03. Review status: criteria provided, single submitter. Criteria: Invitae Variant Classification Sherloc (09022015). Collection method: clinical testing. Allele origin: germline.
Comment: This sequence change affects codon 1335 of the NOTCH2 mRNA. It is a 'silent' change, meaning that it does not change the encoded amino acid sequence of the NOTCH2 protein. This variant also falls at the last nucleotide of exon 24, which is part of the consensus splice site for this exon. The frequency data for this variant in the population databases is considered unreliable, as metrics indicate poor data quality at this position in the gnomAD database. This variant has not been reported in the literature in individuals affected with NOTCH2-related conditions. ClinVar contains an entry for this variant (Variation ID: 2873184). Variants that disrupt the consensus splice site are a relatively common cause of aberrant splicing (PMID: 17576681, 9536098). Algorithms developed to predict the effect of sequence changes on RNA splicing suggest that this variant may disrupt the consensus splice site. In summary, the available evidence is currently insufficient to determine the role of this variant in disease. Therefore, it has been classified as a Variant of Uncertain Significance.

Literature cited by the submitters: PubMed 17576681; PubMed 9536098.

NM_024408.4(NOTCH2):c.4005G>T (p.Pro1335=)

Gene: NOTCH2 (notch receptor 2; minus strand). Cytogenetic location: 1p12.
Variant type: single nucleotide variant.
Coding change: c.4005G>T on transcript NM_024408.4 (MANE Select); coding-DNA position 4005, G replaced by T.
Protein change: p.Pro1335=; no amino-acid change (proline 1335 retained).
Molecular consequence: synonymous variant.
Genome position (GRCh38, 1-based): chr1:119,926,499, C>A on the plus strand (G>T on the coding strand, the complement: NOTCH2 is on the minus strand). VCF-style: chr1-119926499-C-A. GRCh37 (hg19) VCF-style: chr1-120469122-C-A.
Identifiers: ClinVar variation 2873184 (VCV002873184.3), dbSNP rs118188023, ClinGen allele CA420038821.